The following is an entry in ClinVar:

NM_000057.4(BLM):c.3341T>C (p.Leu1114Pro)

Gene: BLM (BLM RecQ like helicase; plus strand). Cytogenetic location: 15q26.1.
Variant type: single nucleotide variant.
Coding change: c.3341T>C on transcript NM_000057.4 (MANE Select); coding-DNA position 3341, T replaced by C.
Protein change: p.Leu1114Pro; replaces leucine 1114 with proline.
Molecular consequence: missense variant.
Genome position (GRCh38, 1-based): chr15:90,798,320, T>C. VCF-style: chr15-90798320-T-C. GRCh37 (hg19) VCF-style: chr15-91341550-T-C.
Other names: c.3341T>C, p.Leu1114Pro (NM_001287246.2, NM_001287247.2); c.2216T>C, p.Leu739Pro (NM_001287248.2); short protein forms L1114P, L739P.
Identifiers: ClinVar variation 454136 (VCV000454136.11), dbSNP rs1444338168, ClinGen allele CA393847378.
Genomic context (GRCh38, chr15:90,798,320, plus strand): 5'-CACAAGGAATGAGAAATATAAAACATGTAGGTCCTTCTGGAAGATTTACTATGAATATGC[T>C]GGTCGACATTTTCTTGGGTAAGTCATCTGTTTTGAATGTTTGAGTTACTTCAATTGAAAT-3'
Protein context (NP_000048.1, residues 1104-1124): GPSGRFTMNM[Leu1114Pro]VDIFLGSKSA

ClinVar aggregate classification (germline): Uncertain significance. Review status: criteria provided, multiple submitters, no conflicts (2 of 4 stars). 2 submissions from 2 submitters: Uncertain significance (2). Last evaluated 2024-05-15.

Conditions:
Hereditary cancer-predisposing syndrome. Also called: Hereditary Cancer Syndrome; Hereditary neoplastic syndrome; Neoplastic Syndromes, Hereditary; Tumor predisposition. Identifiers: Orphanet 140162, MedGen C0027672, MeSH D009386, MONDO:0015356.
Bloom syndrome (BLM). Also called: Bloom-Torre-Machacek syndrome. Identifiers: Orphanet 125, MedGen C0005859, MONDO:0008876, OMIM 210900.

Allele frequency attached by ClinVar (database versions not stated): gnomAD exomes 0.00001.
gnomAD v4.1: 10 of 1,613,182 alleles (0.00062%); highest among the groups gnomAD compares: Non-Finnish European, 0.00085%; no homozygotes.

Submissions (2):

Labcorp Genetics (formerly Invitae), Labcorp
Classification: Uncertain significance for Bloom syndrome. Last evaluated: 2024-05-15. Review status: criteria provided, single submitter. Criteria: Invitae Variant Classification Sherloc (09022015). Collection method: clinical testing. Allele origin: germline.
Comment: This sequence change replaces leucine, which is neutral and non-polar, with proline, which is neutral and non-polar, at codon 1114 of the BLM protein (p.Leu1114Pro). This variant is present in population databases (no rsID available, gnomAD 0.0009%). This variant has not been reported in the literature in individuals affected with BLM-related conditions. ClinVar contains an entry for this variant (Variation ID: 454136). Advanced modeling of protein sequence and biophysical properties (such as structural, functional, and spatial information, amino acid conservation, physicochemical variation, residue mobility, and thermodynamic stability) performed at Invitae indicates that this missense variant is not expected to disrupt BLM protein function with a negative predictive value of 80%. In summary, the available evidence is currently insufficient to determine the role of this variant in disease. Therefore, it has been classified as a Variant of Uncertain Significance.

Ambry Genetics
Classification: Uncertain significance for Hereditary cancer-predisposing syndrome. Last evaluated: 2023-05-07. Review status: criteria provided, single submitter. Criteria: Ambry Variant Classification Scheme 2023. Collection method: clinical testing. Allele origin: germline.
Comment: The p.L1114P variant (also known as c.3341T>C), located in coding exon 16 of the BLM gene, results from a T to C substitution at nucleotide position 3341. The leucine at codon 1114 is replaced by proline, an amino acid with similar properties. This amino acid position is well conserved in available vertebrate species. In addition, this alteration is predicted to be deleterious by in silico analysis. Since supporting evidence is limited at this time, the clinical significance of this alteration remains unclear.